The following is an entry in ClinVar:

NM_000179.3(MSH6):c.2846A>G (p.Gln949Arg)

Gene: MSH6 (mutS homolog 6; plus strand). Cytogenetic location: 2p16.3.
Variant type: single nucleotide variant.
Coding change: c.2846A>G on transcript NM_000179.3 (MANE Select); coding-DNA position 2846, A replaced by G.
Protein change: p.Gln949Arg; replaces glutamine 949 with arginine.
Molecular consequence: missense variant.
Genome position (GRCh38, 1-based): chr2:47,800,829, A>G. VCF-style: chr2-47800829-A-G. GRCh37 (hg19) VCF-style: chr2-48027968-A-G.
Other names: c.2456A>G, p.Gln819Arg (NM_001281492.2); c.1940A>G, p.Gln647Arg (NM_001281493.2, NM_001281494.2); short protein forms Q647R, Q819R, Q949R.
Identifiers: ClinVar variation 923631 (VCV000923631.4), dbSNP rs1669517595, ClinGen allele CA346755834.

ClinVar aggregate classification (germline): Uncertain significance. Review status: criteria provided, multiple submitters, no conflicts (2 of 4 stars). 2 submissions from 2 submitters: Uncertain significance (2). Last evaluated 2024-10-02.

Conditions:
Hereditary cancer-predisposing syndrome. Also called: Neoplastic Syndromes, Hereditary; Tumor predisposition; Hereditary Cancer Syndrome; Hereditary neoplastic syndrome. Identifiers: Orphanet 140162, MedGen C0027672, MeSH D009386, MONDO:0015356.

Submissions (2):

Quest Diagnostics Nichols Institute San Juan Capistrano
Classification: Uncertain significance. Last evaluated: 2024-10-02. Review status: criteria provided, single submitter. Criteria: Quest Diagnostics criteria. Collection method: clinical testing. Allele origin: unknown.
Comment: The MSH6 c.2846A>G (p.Gln949Arg) variant has not been reported in individuals with MSH6-related conditions in the published literature. It also has not been reported in large, multi-ethnic general populations (Genome Aggregation Database). Analysis of this variant using bioinformatics tools for the prediction of the effect of amino acid changes on protein structure and function yielded predictions that this variant is benign. Based on the available information, we are unable to determine the clinical significance of this variant.

Color Diagnostics, LLC DBA Color Health
Classification: Uncertain significance for Hereditary cancer-predisposing syndrome. Last evaluated: 2020-03-10. Review status: criteria provided, single submitter. Criteria: ACMG Guidelines, 2015. Collection method: clinical testing. Allele origin: germline.
Comment: This missense variant replaces glutamine with arginine at codon 949 of the MSH6 protein. Computational prediction suggests that this variant may not impact protein structure and function (internally defined REVEL score threshold <= 0.5, PMID: 27666373). Splice site prediction tools suggest that this variant may not impact RNA splicing. To our knowledge, functional studies have not been reported for this variant. This variant has not been reported in individuals affected with hereditary cancer in the literature. This variant has not been identified in the general population by the Genome Aggregation Database (gnomAD). The available evidence is insufficient to determine the role of this variant in disease conclusively. Therefore, this variant is classified as a Variant of Uncertain Significance.